The following is an entry in ClinVar:

ClinVar aggregate classification (germline): Uncertain significance (1 of 4 stars; one submission).

Conditions:
Idiopathic Pulmonary Fibrosis. Also called: Idiopathic fibrosing alveolitis, chronic form; idiopathic fibrosing alveolitis. Identifiers: Orphanet 2032, MedGen C1800706, MeSH D054990, MONDO:0800504.
Dyskeratosis congenita, autosomal dominant 2. Identifiers: MedGen C3151443, MONDO:0013521, OMIM 613989.

Submission:

Labcorp Genetics (formerly Invitae), Labcorp
Classification: Uncertain significance for Dyskeratosis congenita, autosomal dominant 2; Idiopathic Pulmonary Fibrosis. Last evaluated: 2022-10-31. Review status: criteria provided, single submitter. Criteria: Invitae Variant Classification Sherloc (09022015). Collection method: clinical testing. Allele origin: germline.
Comment: This variant has not been reported in the literature in individuals affected with TERT-related conditions. In summary, the available evidence is currently insufficient to determine the role of this variant in disease. Therefore, it has been classified as a Variant of Uncertain Significance. Variants that disrupt the consensus splice site are a relatively common cause of aberrant splicing (PMID: 17576681, 9536098). Algorithms developed to predict the effect of sequence changes on RNA splicing suggest that this variant is not likely to affect RNA splicing. This variant is not present in population databases (gnomAD no frequency). This sequence change falls in intron 11 of the TERT gene. It does not directly change the encoded amino acid sequence of the TERT protein. It affects a nucleotide within the consensus splice site.

Literature cited by the submitters: PubMed 17576681; PubMed 9536098.

NM_198253.3(TERT):c.2844-3C>T

Gene: TERT (telomerase reverse transcriptase; minus strand). Cytogenetic location: 5p15.33.
Variant type: single nucleotide variant.
Coding change: c.2844-3C>T on transcript NM_198253.3 (MANE Select); 3 bases into the intron before coding-DNA position 2844, C replaced by T.
Molecular consequence: intron variant.
Genome position (GRCh38, 1-based): chr5:1,260,603, G>A on the plus strand (C>T on the coding strand, the complement: TERT is on the minus strand). VCF-style: chr5-1260603-G-A. GRCh37 (hg19) VCF-style: chr5-1260718-G-A.
Other names: c.2655-3C>T (NM_001193376.3).
Identifiers: ClinVar variation 2112907 (VCV002112907.4), dbSNP rs2478130835, ClinGen allele CA2580071959.